The following is an entry in ClinVar:

NM_001083111.2(GNRH1):c.-1-5C>T

Gene: GNRH1 (gonadotropin releasing hormone 1; minus strand). Cytogenetic location: 8p21.2.
Variant type: single nucleotide variant.
Coding change: c.-1-5C>T on transcript NM_001083111.2 (MANE Select); 5 bases into the intron before 1 bases upstream of the start codon, C replaced by T.
Molecular consequence: intron variant. On other transcripts: missense variant (1).
Genome position (GRCh38, 1-based): chr8:25,423,336, G>A on the plus strand (C>T on the coding strand, the complement: GNRH1 is on the minus strand). VCF-style: chr8-25423336-G-A. GRCh37 (hg19) VCF-style: chr8-25280852-G-A.
Other names: c.7C>T, p.Leu3Phe (NM_000825.3); short protein forms L3F.
Identifiers: ClinVar variation 3718345 (VCV003718345.2).
Genomic context (GRCh38, chr8:25,423,336, plus strand): 5'-CCACGCACCAAGTCAGTAGAATAAGGCCAGCTAGGAGTTTTTGAATTGGCTTCATTCTAA[G>A]GCACATGAATGCACAATCAAATTAGATCCAGACAAGGTTGAGTATAAACTAAAAGACCTC-3'

ClinVar aggregate classification (germline): Uncertain significance (1 of 4 stars; one submission).

gnomAD v4.1: 9 of 1,611,750 alleles (0.00056%); highest among the groups gnomAD compares: Non-Finnish European, 0.00076%; no homozygotes.

Submission:

Labcorp Genetics (formerly Invitae), Labcorp
Classification: Uncertain significance. Last evaluated: 2024-07-12. Review status: criteria provided, single submitter. Criteria: Invitae Variant Classification Sherloc (09022015). Collection method: clinical testing. Allele origin: germline.
Comment: This sequence change replaces leucine, which is neutral and non-polar, with phenylalanine, which is neutral and non-polar, at codon 3 of the GNRH1 protein (p.Leu3Phe). This variant is present in population databases (rs762228178, gnomAD 0.002%). This variant has not been reported in the literature in individuals affected with GNRH1-related conditions. Experimental studies and prediction algorithms are not available or were not evaluated, and the functional significance of this variant is currently unknown. In summary, the available evidence is currently insufficient to determine the role of this variant in disease. Therefore, it has been classified as a Variant of Uncertain Significance.